The following is an entry in ClinVar:

NM_001048166.1(STIL):c.311G>A (p.Arg104Gln)

Gene: STIL (STIL centriolar assembly protein; minus strand). Cytogenetic location: 1p33.
Variant type: single nucleotide variant.
Coding change: c.311G>A on transcript NM_001048166.1 (MANE Select); coding-DNA position 311, G replaced by A.
Protein change: p.Arg104Gln; replaces arginine 104 with glutamine.
Molecular consequence: missense variant.
Genome position (GRCh38, 1-based): chr1:47,301,703, C>T on the plus strand (G>A on the coding strand, the complement: STIL is on the minus strand). VCF-style: chr1-47301703-C-T. GRCh37 (hg19) VCF-style: chr1-47767375-C-T.
Other names: c.311G>A, p.Arg104Gln (NM_001282936.1, NM_001282937.1, NM_001282938.1 and 3 more transcripts); short protein forms R104Q.
Identifiers: ClinVar variation 4690281 (VCV004690281.1).

ClinVar aggregate classification (germline): Likely benign (1 of 4 stars; one submission).

Conditions:
Microcephaly 7, primary, autosomal recessive. Identifiers: Orphanet 2512, MedGen C2675187, MONDO:0012989, OMIM 612703.

gnomAD v4.1: 51 of 1,614,032 alleles (0.0032%); highest among the groups gnomAD compares: South Asian, 0.034%; no homozygotes.

Submission:

Centre for Medical Genetics,  Mumbai
Classification: Likely benign for Microcephaly 7, primary, autosomal recessive. Last evaluated: 2026-02-02. Review status: criteria provided, single submitter. Criteria: ACMG Guidelines, 2015. Collection method: provider interpretation. Allele origin: germline. Inheritance: X-linked recessive inheritance. Affected: no. Observed: 1 homozygote.
Comment: The variant satisfies PM2 criteria; Extremely low frequency in gnomAD population databases. The variant satisfies BS2 criteria.

Literature cited by the submitters: PubMed 19215732.